The following is an entry in ClinVar:

NM_001171.6(ABCC6):c.3301T>C (p.Phe1101Leu)

Gene: ABCC6 (ATP binding cassette subfamily C member 6; minus strand). Cytogenetic location: 16p13.11.
Variant type: single nucleotide variant.
Coding change: c.3301T>C on transcript NM_001171.6 (MANE Select); coding-DNA position 3301, T replaced by C.
Protein change: p.Phe1101Leu; replaces phenylalanine 1101 with leucine.
Molecular consequence: missense variant. On other transcripts: non-coding transcript variant (1).
Genome position (GRCh38, 1-based): chr16:16,165,628, A>G on the plus strand (T>C on the coding strand, the complement: ABCC6 is on the minus strand). VCF-style: chr16-16165628-A-G. GRCh37 (hg19) VCF-style: chr16-16259485-A-G.
Other names: c.2959T>C, p.Phe987Leu (NM_001351800.1); short protein forms F987L, F1101L.
Identifiers: ClinVar variation 1986379 (VCV001986379.5), dbSNP rs2510966751, ClinGen allele CA394882507.
Genomic context (GRCh38, chr16:16,165,628, plus strand): 5'-GGACTGGCTGAGTTGACCTCAGCCGGTCCCGGAAGCCTCCCTGACCTCTCCGTACCTGAA[A>G]CCCAGCGTAGAGGAGAAACAGTGGCAGGATGGCCACAGTGGCCAGTGGGGTAGCCACTGC-3'
Protein context (NP_001162.5, residues 1091-1111): ILPLFLLYAG[Phe1101Leu]QSLYVVSSCQ

ClinVar aggregate classification (germline): Uncertain significance. Review status: criteria provided, multiple submitters, no conflicts (2 of 4 stars). 2 submissions from 2 submitters: Uncertain significance (2). Last evaluated 2024-01-14.

Conditions:
Arterial calcification, generalized, of infancy, 2. Identifiers: Orphanet 51608, MedGen C3276161, MONDO:0013768, OMIM 614473.
Autosomal recessive inherited pseudoxanthoma elasticum (PXE). Identifiers: Orphanet 758, MedGen CN032334, MONDO:0009925, OMIM 264800.
Pseudoxanthoma elasticum, forme fruste. Also called: PSEUDOXANTHOMA ELASTICUM, HETEROZYGOUS; Pseudoxanthoma Elasticum, Incomplete. Identifiers: Orphanet 758, MedGen C1867450, MONDO:0008333, OMIM 177850.

Submissions (2):

Fulgent Genetics
Classification: Uncertain significance for Pseudoxanthoma elasticum, forme fruste; Autosomal recessive inherited pseudoxanthoma elasticum; Arterial calcification, generalized, of infancy, 2. Last evaluated: 2024-01-14. Review status: criteria provided, single submitter. Criteria: ACMG Guidelines, 2015. Collection method: clinical testing. Allele origin: germline.

Labcorp Genetics (formerly Invitae), Labcorp
Classification: Uncertain significance. Last evaluated: 2023-08-04. Review status: criteria provided, single submitter. Criteria: Invitae Variant Classification Sherloc (09022015). Collection method: clinical testing. Allele origin: germline.
Comment: In summary, the available evidence is currently insufficient to determine the role of this variant in disease. Therefore, it has been classified as a Variant of Uncertain Significance. Advanced modeling of protein sequence and biophysical properties (such as structural, functional, and spatial information, amino acid conservation, physicochemical variation, residue mobility, and thermodynamic stability) performed at Invitae indicates that this missense variant is not expected to disrupt ABCC6 protein function. This sequence change replaces phenylalanine, which is neutral and non-polar, with leucine, which is neutral and non-polar, at codon 1101 of the ABCC6 protein (p.Phe1101Leu). This variant is not present in population databases (gnomAD no frequency). This variant has not been reported in the literature in individuals affected with ABCC6-related conditions. ClinVar contains an entry for this variant (Variation ID: 1986379).